The following is an entry in ClinVar:

ClinVar aggregate classification (germline): Uncertain significance (1 of 4 stars; one submission).

Conditions:
Hereditary cancer-predisposing syndrome. Also called: Neoplastic Syndromes, Hereditary; Tumor predisposition; Hereditary neoplastic syndrome; Hereditary Cancer Syndrome. Identifiers: Orphanet 140162, MedGen C0027672, MeSH D009386, MONDO:0015356.

Submission:

Ambry Genetics
Classification: Uncertain significance for Hereditary cancer-predisposing syndrome. Last evaluated: 2026-08-31. Review status: criteria provided, single submitter. Criteria: Ambry Variant Classification Scheme 2023. Collection method: clinical testing. Allele origin: germline.
Comment: The p.G383V variant (also known as c.1148G>T), located in coding exon 10 of the TSC1 gene, results from a G to T substitution at nucleotide position 1148. The glycine at codon 383 is replaced by valine, an amino acid with dissimilar properties. This amino acid position is conserved. In addition, this alteration is predicted to be deleterious by in silico analysis. Based on the available evidence, the clinical significance of this variant remains unclear.

NM_000368.5(TSC1):c.1148G>T (p.Gly383Val)

Gene: TSC1 (TSC complex subunit 1; minus strand). Cytogenetic location: 9q34.13.
Variant type: single nucleotide variant.
Coding change: c.1148G>T on transcript NM_000368.5 (MANE Select); coding-DNA position 1148, G replaced by T.
Protein change: p.Gly383Val; replaces glycine 383 with valine.
Molecular consequence: missense variant. On other transcripts: non-coding transcript variant (5).
Genome position (GRCh38, 1-based): chr9:132,910,686, C>A on the plus strand (G>T on the coding strand, the complement: TSC1 is on the minus strand). VCF-style: chr9-132910686-C-A. GRCh37 (hg19) VCF-style: chr9-135786073-C-A.
Other names: c.1148G>T, p.Gly383Val (NM_001406595.1, NM_001406596.1, NM_001406601.1 and 7 more transcripts); c.1145G>T, p.Gly382Val (NM_001406597.1, NM_001406598.1, NM_001406599.1 and 6 more transcripts); c.785G>T, p.Gly262Val (NM_001406614.1, NM_001406615.1, NM_001406616.1 and 5 more transcripts); c.782G>T, p.Gly261Val (NM_001406620.1, NM_001406621.1, NM_001406622.1 and 2 more transcripts); c.995G>T, p.Gly332Val (NM_001162427.2, NM_001406610.1); c.992G>T, p.Gly331Val (NM_001406611.1, NM_001406612.1, NM_001406613.1); c.197G>T, p.Gly66Val (NM_001406626.1); c.194G>T, p.Gly65Val (NM_001406627.1, NM_001406628.1); and 1 more; short protein forms G262V, G331V, G382V, G383V, G66V, G261V, G332V, G65V.
Identifiers: ClinVar variation 5031269 (VCV005031269.1).